The following is an entry in ClinVar:

NM_006030.4(CACNA2D2):c.2045+1G>A

Gene: CACNA2D2 (calcium voltage-gated channel auxiliary subunit alpha2delta 2; minus strand). Cytogenetic location: 3p21.31.
Variant type: single nucleotide variant.
Coding change: c.2045+1G>A on transcript NM_006030.4 (MANE Select); the canonical splice donor site of the intron after coding-DNA position 2045, G replaced by A.
Molecular consequence: splice donor variant.
Genome position (GRCh38, 1-based): chr3:50,370,319, C>T on the plus strand (G>A on the coding strand, the complement: CACNA2D2 is on the minus strand). VCF-style: chr3-50370319-C-T. GRCh37 (hg19) VCF-style: chr3-50407750-C-T.
Other names: c.1838+1G>A (NM_001291101.1); c.2045+1G>A (NM_001005505.3, NM_001410768.1); c.2066+1G>A (NM_001174051.3).
Identifiers: ClinVar variation 1467942 (VCV001467942.7), dbSNP rs2109421369, ClinGen allele CA352918678.

ClinVar aggregate classification (germline): Likely pathogenic (1 of 4 stars; one submission).

Conditions:
Early-infantile DEE. Also called: Early infantile epileptic encephalopathy with suppression bursts; Early infantile epileptic encephalopathy; Ohtahara syndrome. Identifiers: Orphanet 1934, MedGen C0393706, MONDO:0800491.

Submission:

Labcorp Genetics (formerly Invitae), Labcorp
Classification: Likely pathogenic for Early-infantile DEE. Last evaluated: 2021-07-02. Review status: criteria provided, single submitter. Criteria: Invitae Variant Classification Sherloc (09022015). Collection method: clinical testing. Allele origin: germline.
Comment: This sequence change affects a donor splice site in intron 23 of the CACNA2D2 gene. It is expected to disrupt RNA splicing. Variants that disrupt the donor or acceptor splice site typically lead to a loss of protein function (PMID: 16199547), and loss-of-function variants in CACNA2D2 are known to be pathogenic (PMID: 24358150). This variant is not present in population databases (ExAC no frequency). This variant has not been reported in the literature in individuals affected with CACNA2D2-related conditions. Algorithms developed to predict the effect of sequence changes on RNA splicing suggest that this variant may disrupt the consensus splice site. In summary, the currently available evidence indicates that the variant is pathogenic, but additional data are needed to prove that conclusively. Therefore, this variant has been classified as Likely Pathogenic.

Literature cited by the submitters: PubMed 16199547; PubMed 24358150.